The following is an entry in ClinVar:

ClinVar aggregate classification (germline): Pathogenic (0 of 4 stars; one submission).

Conditions:
Pigmentary pallidal degeneration (NBIA1). Also called: Pantothenate Kinase-Associated Neurodegeneration; Neuroaxonal dystrophy, late infantile; Hallervorden-Spatz disease; HARP SYNDROME; Neurodegeneration with brain iron accumulation 1; PKAN NEUROAXONAL DYSTROPHY, JUVENILE-ONSET. Identifiers: Orphanet 157850, MedGen C0018523, MONDO:0009319, OMIM 234200.

Submission:

Dr. Faghihi's Medical Genetic Center
Classification: Pathogenic for Pigmentary pallidal degeneration. Last evaluated: 2016-11-05. Review status: no assertion criteria provided. Collection method: research. Allele origin: not applicable. Inheritance: Autosomal recessive inheritance.
Comment: Multiplanar multisequential MRI images through the brain with usual protocol were taken which demonstrated normal signal intensity of both cerebral hemispheres with no sign of mass or hemorrhage or ischemic infarction. No hydrocephalus or shift of midline structure was found. Posterior fossa structures including cerebral hemispheres showed normal signal intensity without any mass or hemorrhage or ischemic infarction. 7the-8the nerve root complexes appeared normal and pituitary gland was also normal with no sign of gross mass. No extra-axial mass or hematoma or fluid collection was observed. Mucosal thickening was noted at both ethmoidal maxillary sinuses due to sinusitis. Mild inflammatory change at right mastoid air cells and the â€˜â€˜eye-of-the-tigerâ€™â€™ sign in MRI imaging was remarkable (figure 1). But, M.R.I of the cervical spine without contrast showed normal features. Paraclinical examinations were also requested which showed increased level of alkaline phosphatase (ALP) (191 U/L) and creatine phosphokinase (CPK) (456 U/L).

Literature cited by the submitters: PubMed 28821231.

NM_001386393.1(PANK2):c.1096_1099del (p.Met366fs)

Gene: PANK2 (pantothenate kinase 2; plus strand). Cytogenetic location: 20p13.
Variant type: Deletion.
Coding change: c.1096_1099del on transcript NM_001386393.1 (MANE Select); coding-DNA positions 1096 to 1099, 4 bases deleted (ATGA; older notation c.1096_1099delATGA).
Protein change: p.Met366fs; shifts the reading frame from methionine 366.
Molecular consequence: frameshift variant. On other transcripts: non-coding transcript variant (1).
Genome position (GRCh38, 1-based): chr20:3,916,940-3,916,943, ATGA deleted. VCF-style (leftmost placement, unchanged base first): chr20-3916939-GATGA-G. GRCh37 (hg19) VCF-style: chr20-3897586-GATGA-G.
Other names: c.1426_1429delATGA (NM_153638.3); c.553_556del, p.Met185fs (NM_001324191.2, NM_024960.6, NM_153640.4); c.118_121del, p.Met40fs (NM_001324193.2); c.1426_1429del, p.Met476fs (NM_153638.4); short protein forms M185fs, M40fs, M476fs, M366fs.
Identifiers: ClinVar variation 417619 (VCV000417619.3), dbSNP rs1555789557, ClinGen allele CA658684233.